The following is an entry in ClinVar:

NM_000179.3(MSH6):c.1688C>A (p.Thr563Asn)

Gene: MSH6 (mutS homolog 6; plus strand). Cytogenetic location: 2p16.3.
Variant type: single nucleotide variant.
Coding change: c.1688C>A on transcript NM_000179.3 (MANE Select); coding-DNA position 1688, C replaced by A.
Protein change: p.Thr563Asn; replaces threonine 563 with asparagine.
Molecular consequence: missense variant.
Genome position (GRCh38, 1-based): chr2:47,799,671, C>A. VCF-style: chr2-47799671-C-A. GRCh37 (hg19) VCF-style: chr2-48026810-C-A.
Other names: c.1298C>A, p.Thr433Asn (NM_001281492.2); c.782C>A, p.Thr261Asn (NM_001281493.2, NM_001281494.2); short protein forms T261N, T433N, T563N.
Identifiers: ClinVar variation 1010095 (VCV001010095.12), dbSNP rs1386014501, ClinGen allele CA346747512.
Genomic context (GRCh38, chr2:47,799,671, plus strand): 5'-AAGAAAAAGAGGAAGATTCTTCTGGCCATACTCGTGCATATGGTGTGTGCTTTGTTGATA[C>A]TTCACTGGGAAAGTTTTTCATAGGTCAGTTTTCAGATGATCGCCATTGTTCGAGATTTAG-3'
Protein context (NP_000170.1, residues 553-573): TRAYGVCFVD[Thr563Asn]SLGKFFIGQF

ClinVar aggregate classification (germline): Uncertain significance. Review status: criteria provided, multiple submitters, no conflicts (2 of 4 stars). 2 submissions from 2 submitters: Uncertain significance (2). Last evaluated 2024-03-06.

Conditions:
Hereditary nonpolyposis colorectal neoplasms. Identifiers: MedGen C0009405, MeSH D003123.
Hereditary cancer-predisposing syndrome. Also called: Tumor predisposition; Hereditary neoplastic syndrome; Neoplastic Syndromes, Hereditary; Hereditary Cancer Syndrome. Identifiers: Orphanet 140162, MedGen C0027672, MeSH D009386, MONDO:0015356.

Submissions (2):

Color Diagnostics, LLC DBA Color Health
Classification: Uncertain significance for Hereditary cancer-predisposing syndrome. Last evaluated: 2024-03-06. Review status: criteria provided, single submitter. Criteria: ACMG Guidelines, 2015. Collection method: clinical testing. Allele origin: germline.
Comment: This missense variant replaces threonine with asparagine at codon 563 of the MSH6 protein. Computational prediction suggests that this variant may have deleterious impact on protein structure and function (internally defined REVEL score threshold >= 0.7, PMID: 27666373). To our knowledge, functional studies have not been reported for this variant. This variant has not been reported in individuals affected with hereditary cancer in the literature. This variant has not been identified in the general population by the Genome Aggregation Database (gnomAD). The available evidence is insufficient to determine the role of this variant in disease conclusively. Therefore, this variant is classified as a Variant of Uncertain Significance.

Labcorp Genetics (formerly Invitae), Labcorp
Classification: Uncertain significance for Hereditary nonpolyposis colorectal neoplasms. Last evaluated: 2023-04-30. Review status: criteria provided, single submitter. Criteria: Invitae Variant Classification Sherloc (09022015). Collection method: clinical testing. Allele origin: germline.
Comment: In summary, the available evidence is currently insufficient to determine the role of this variant in disease. Therefore, it has been classified as a Variant of Uncertain Significance. Advanced modeling of protein sequence and biophysical properties (such as structural, functional, and spatial information, amino acid conservation, physicochemical variation, residue mobility, and thermodynamic stability) has been performed at Invitae for this missense variant, however the output from this modeling did not meet the statistical confidence thresholds required to predict the impact of this variant on MSH6 protein function. ClinVar contains an entry for this variant (Variation ID: 1010095). This variant has not been reported in the literature in individuals affected with MSH6-related conditions. This variant is not present in population databases (gnomAD no frequency). This sequence change replaces threonine, which is neutral and polar, with asparagine, which is neutral and polar, at codon 563 of the MSH6 protein (p.Thr563Asn).